The following is an entry in ClinVar:

NM_001369369.1(FOXN1):c.961C>A (p.His321Asn)

Gene: FOXN1 (forkhead box N1; plus strand). Cytogenetic location: 17q11.2.
Variant type: single nucleotide variant.
Coding change: c.961C>A on transcript NM_001369369.1 (MANE Select); coding-DNA position 961, C replaced by A.
Protein change: p.His321Asn; replaces histidine 321 with asparagine.
Molecular consequence: missense variant.
Genome position (GRCh38, 1-based): chr17:28,534,364, C>A. VCF-style: chr17-28534364-C-A. GRCh37 (hg19) VCF-style: chr17-26861382-C-A.
Other names: c.961C>A, p.His321Asn (NM_003593.3); short protein forms H321N.
Identifiers: ClinVar variation 663720 (VCV000663720.4), dbSNP rs1597566413, ClinGen allele CA398324489.

ClinVar aggregate classification (germline): Uncertain significance. Review status: criteria provided, single submitter (1 of 4 stars). 2 submissions from 2 submitters: Uncertain significance (1). 1 of the submissions does not count toward it. Last evaluated 2018-07-03.

Conditions:
T-cell lymphopenia, infantile, with or without nail dystrophy, autosomal dominant. Identifiers: Orphanet 676039, MedGen C5394133, MONDO:0032928, OMIM 618806.
T-cell immunodeficiency, congenital alopecia, and nail dystrophy. Also called: Congenital alopecia and nail dystrophy associated with severe functional T-cell immunodeficiency; Pignata Guarino syndrome. Identifiers: Orphanet 169095, MedGen C1866426, MONDO:0011132, OMIM 601705.

Submissions (2):

Labcorp Genetics (formerly Invitae), Labcorp
Classification: Uncertain significance for T-cell immunodeficiency, congenital alopecia and nail dystrophy. Last evaluated: 2018-07-03. Review status: criteria provided, single submitter. Criteria: Invitae Variant Classification Sherloc (09022015). Collection method: clinical testing. Allele origin: germline.
Comment: This sequence change replaces histidine with asparagine at codon 321 of the FOXN1 protein (p.His321Asn). The histidine residue is highly conserved and there is a small physicochemical difference between histidine and asparagine. This variant is not present in population databases (ExAC no frequency). This variant has not been reported in the literature in individuals with FOXN1-related disease. Algorithms developed to predict the effect of missense changes on protein structure and function (SIFT, PolyPhen-2, Align-GVGD) all suggest that this variant is likely to be disruptive, but these predictions have not been confirmed by published functional studies and their clinical significance is uncertain. In summary, the available evidence is currently insufficient to determine the role of this variant in disease. Therefore, it has been classified as a Variant of Uncertain Significance.

OMIM
Classification: Pathogenic for T-CELL LYMPHOPENIA, INFANTILE, WITH NAIL DYSTROPHY, AUTOSOMAL DOMINANT. Last evaluated: 2020-11-11. Review status: no assertion criteria provided. Collection method: literature only. Allele origin: germline. Not counted in ClinVar's aggregate classification.

Literature cited by the submitters: PubMed 31447097 (cited by OMIM).